The following is an entry in ClinVar:

ClinVar aggregate classification (germline): Uncertain significance (1 of 4 stars; one submission).

Conditions:
Curry-Hall syndrome (WAD). Also called: WEYERS ACRODENTAL DYSOSTOSIS. Identifiers: Orphanet 952, MedGen C0457013, MONDO:0008673, OMIM 193530.
Ellis-van Creveld syndrome (EVC). Also called: EVC-Related Ellis-van Creveld Syndrome; EVC2-Related Ellis-van Creveld Syndrome; Chondroectodermal dysplasia; MESOECTODERMAL DYSPLASIA. Identifiers: Orphanet 289, MedGen C0013903, MONDO:0009162, OMIM 225500.

Allele frequency attached by ClinVar (database versions not stated): gnomAD exomes below 0.00001.
gnomAD v4.1: 2 of 1,507,036 alleles (0.00013%); highest among the groups gnomAD compares: Non-Finnish European, 0.00018%; no homozygotes.

Submission:

Labcorp Genetics (formerly Invitae), Labcorp
Classification: Uncertain significance for Curry-Hall syndrome; Ellis-van Creveld syndrome. Last evaluated: 2024-01-06. Review status: criteria provided, single submitter. Criteria: Invitae Variant Classification Sherloc (09022015). Collection method: clinical testing. Allele origin: germline.
Comment: This sequence change replaces leucine, which is neutral and non-polar, with methionine, which is neutral and non-polar, at codon 19 of the EVC2 protein (p.Leu19Met). This variant is not present in population databases (gnomAD no frequency). This variant has not been reported in the literature in individuals affected with EVC2-related conditions. ClinVar contains an entry for this variant (Variation ID: 1026521). An algorithm developed to predict the effect of missense changes on protein structure and function (PolyPhen-2) suggests that this variant is likely to be disruptive. In summary, the available evidence is currently insufficient to determine the role of this variant in disease. Therefore, it has been classified as a Variant of Uncertain Significance.

NM_147127.5(EVC2):c.55C>A (p.Leu19Met)

Gene: EVC2 (EvC ciliary complex subunit 2; minus strand). Cytogenetic location: 4p16.2.
Variant type: single nucleotide variant.
Coding change: c.55C>A on transcript NM_147127.5 (MANE Select); coding-DNA position 55, C replaced by A.
Protein change: p.Leu19Met; replaces leucine 19 with methionine.
Molecular consequence: missense variant. On other transcripts: intron variant (1).
Genome position (GRCh38, 1-based): chr4:5,708,459, G>T on the plus strand (C>A on the coding strand, the complement: EVC2 is on the minus strand). VCF-style: chr4-5708459-G-T. GRCh37 (hg19) VCF-style: chr4-5710186-G-T.
Other names: c.-13+370C>A (NM_001166136.2); short protein forms L19M.
Identifiers: ClinVar variation 1026521 (VCV001026521.9), dbSNP rs1722364834, ClinGen allele CA356155431.